The following is an entry in ClinVar:

NM_001368882.1(COL13A1):c.319C>T (p.Arg107Cys)

Gene: COL13A1 (collagen type XIII alpha 1 chain; plus strand). Cytogenetic location: 10q22.1.
Variant type: single nucleotide variant.
Coding change: c.319C>T on transcript NM_001368882.1 (MANE Select); coding-DNA position 319, C replaced by T.
Protein change: p.Arg107Cys; replaces arginine 107 with cysteine.
Molecular consequence: missense variant. On other transcripts: 5 prime UTR variant (1).
Genome position (GRCh38, 1-based): chr10:69,822,393, C>T. VCF-style: chr10-69822393-C-T. GRCh37 (hg19) VCF-style: chr10-71582149-C-T.
Other names: c.319C>T, p.Arg107Cys (NM_001368884.1, NM_001368885.1, NM_001368895.1 and 11 more transcripts); c.-335C>T (NM_001368886.1); short protein forms R107C.
Identifiers: ClinVar variation 4885571 (VCV004885571.2).

ClinVar aggregate classification (germline): Uncertain significance (1 of 4 stars; one submission).

gnomAD v4.1: 19 of 1,592,348 alleles (0.0012%); highest among the groups gnomAD compares: East Asian, 0.0023%; no homozygotes.

Submission:

Dasa
Classification: Uncertain significance. Last evaluated: 2025-05-21. Review status: criteria provided, single submitter. Criteria: DASA Assertion Criteria. Collection method: clinical testing. Allele origin: germline.
Comment: NM_001368882.1(COL13A1):c.319C>T (p.Arg107Cys) is a missense variant that results in the substitution of arginine with cysteine. This variant has been observed in affected individuals with COL13A1-related disorders. Also, this variant is rare in population databases. The currently available literature and clinical evidence are not sufficient to establish a definitive association between this variant and the reported condition. Therefore, this variant is classified as a variant of uncertain significance.